The following is an entry in ClinVar:

NM_000632.4(ITGAM):c.503G>A (p.Arg168Gln)

Gene: ITGAM (integrin subunit alpha M; plus strand). Cytogenetic location: 16p11.2.
Variant type: single nucleotide variant.
Coding change: c.503G>A on transcript NM_000632.4 (MANE Select); coding-DNA position 503, G replaced by A.
Protein change: p.Arg168Gln; replaces arginine 168 with glutamine.
Molecular consequence: missense variant.
Genome position (GRCh38, 1-based): chr16:31,271,029, G>A. VCF-style: chr16-31271029-G-A. GRCh37 (hg19) VCF-style: chr16-31282350-G-A.
Other names: c.503G>A, p.Arg168Gln (NM_001145808.2); short protein forms R168Q.
Identifiers: ClinVar variation 1494103 (VCV001494103.8), dbSNP rs531779676, ClinGen allele CA8025247.

ClinVar aggregate classification (germline): Uncertain significance (1 of 4 stars; one submission).

Allele frequency attached by ClinVar (database versions not stated): gnomAD 0.00001 and 0.00003; gnomAD exomes 0.00004 and 0.00006; TOPMed 0.00004; ExAC 0.00007.

Submission:

Labcorp Genetics (formerly Invitae), Labcorp
Classification: Uncertain significance. Last evaluated: 2025-06-17. Review status: criteria provided, single submitter. Criteria: Invitae Variant Classification Sherloc (09022015). Collection method: clinical testing. Allele origin: germline.
Comment: This sequence change replaces arginine, which is basic and polar, with glutamine, which is neutral and polar, at codon 168 of the ITGAM protein (p.Arg168Gln). This variant is present in population databases (rs531779676, gnomAD 0.03%). This variant has not been reported in the literature in individuals affected with ITGAM-related conditions. ClinVar contains an entry for this variant (Variation ID: 1494103). An algorithm developed to predict the effect of missense changes on protein structure and function outputs the following: PolyPhen-2: "Benign". The glutamine amino acid residue is found in multiple mammalian species, which suggests that this missense change does not adversely affect protein function. In summary, the available evidence is currently insufficient to determine the role of this variant in disease. Therefore, it has been classified as a Variant of Uncertain Significance.